The following is an entry in ClinVar:

ClinVar aggregate classification (germline): Benign. Review status: criteria provided, multiple submitters, no conflicts (2 of 4 stars). 6 submissions from 5 submitters: Benign (6). Last evaluated 2025-11-24.

Conditions:
Progressive external ophthalmoplegia with mitochondrial DNA deletions, autosomal recessive 3 (PEOB3). Also called: PROGRESSIVE EXTERNAL OPHTHALMOPLEGIA, AUTOSOMAL RECESSIVE 3. Identifiers: Orphanet 254886, MedGen C4310734, MONDO:0014898, OMIM 617069.
Mitochondrial disease. Also called: Mitochondrial disorder; Mitochondrial disorders. Identifiers: Orphanet 68380, MedGen C0751651, MeSH D028361, MONDO:0044970.
Mitochondrial DNA depletion syndrome, myopathic form (MTDPS2). Also called: MITOCHONDRIAL DNA DEPLETION MYOPATHY, TK2-RELATED; MITOCHONDRIAL DNA DEPLETION SYNDROME 2 (MYOPATHIC TYPE); TK2-Related Mitochondrial DNA Maintenance Defect, Myopathic Form. Identifiers: Orphanet 254875, MedGen C3149750, MONDO:0012301, OMIM 609560.

Allele frequency attached by ClinVar (database versions not stated): ESP Exome Variant Server 0.03525; TOPMed 0.06439; 1000 Genomes Project 0.09804; 1000 Genomes Project 30x 0.09853.
gnomAD v4.1: 69,387 of 1,604,714 alleles (4.3%); highest among the groups gnomAD compares: Admixed American, 18%; 3,109 homozygotes.

Submissions (6):

Genomenon, Inc
Classification: Benign for Mitochondrial disease. Last evaluated: 2025-11-24. Review status: criteria provided, single submitter. Criteria: Genomenon Sequence Variant Interpretation Standards - Updated. Collection method: curation. Allele origin: germline. Affected: no.
Comment: TK2 c.-30C>G is a variant located in the 5′ untranslated region (5′ UTR). This variant is present at a high allele frequency in gnomAD. In conclusion, we classify TK2 c.-30C>G as a benign variant.

Genome-Nilou Lab
Classification: Benign for Progressive external ophthalmoplegia with mitochondrial DNA deletions, autosomal recessive 3. Last evaluated: 2021-09-10. Review status: criteria provided, single submitter. Criteria: ACMG Guidelines, 2015. Collection method: clinical testing. Allele origin: germline. Affected: no.

Genome-Nilou Lab
Classification: Benign for Mitochondrial DNA depletion syndrome, myopathic form. Last evaluated: 2021-09-10. Review status: criteria provided, single submitter. Criteria: ACMG Guidelines, 2015. Collection method: clinical testing. Allele origin: germline. Affected: no.

Illumina Laboratory Services, Illumina
Classification: Benign for Mitochondrial DNA depletion syndrome, myopathic form. Last evaluated: 2018-01-12. Review status: criteria provided, single submitter. Criteria: ICSL Variant Classification Criteria 13 December 2019. Collection method: clinical testing. Allele origin: germline.
Comment: This variant was observed in the ICSL laboratory as part of a predisposition screen in an ostensibly healthy population. It had not been previously curated by ICSL or reported in the Human Gene Mutation Database (HGMD: prior to June 1st, 2018), and was therefore a candidate for classification through an automated scoring system. Utilizing variant allele frequency, disease prevalence and penetrance estimates, and inheritance mode, an automated score was calculated to assess if this variant is too frequent to cause the disease. Based on the score and internal cut-off values, a variant classified as benign is not then subjected to further curation. The score for this variant resulted in a classification of benign for this disease.

GeneDx
Classification: Benign. Last evaluated: 2011-07-07. Review status: criteria provided, single submitter. Criteria: GeneDx Variant Classification (06012015). Collection method: clinical testing. Allele origin: germline. Affected: yes.
Comment: This variant is considered likely benign or benign based on one or more of the following criteria: it is a conservative change, it occurs at a poorly conserved position in the protein, it is predicted to be benign by multiple in silico algorithms, and/or has population frequency not consistent with disease.

Breakthrough Genomics
Classification: Benign. Review status: criteria provided, single submitter. Criteria: ACMG Guidelines, 2015. Collection method: not provided. Allele origin: germline. Inheritance: Autosomal recessive inheritance. Affected: yes.

NM_004614.5(TK2):c.-30C>G

Gene: TK2 (thymidine kinase 2; minus strand). Cytogenetic location: 16q21.
Variant type: single nucleotide variant.
Coding change: c.-30C>G on transcript NM_004614.5 (MANE Select); 30 bases upstream of the start codon, C replaced by G.
Molecular consequence: 5 prime UTR variant. On other transcripts: non-coding transcript variant (1), intron variant (2).
Genome position (GRCh38, 1-based): chr16:66,550,091, G>C on the plus strand (C>G on the coding strand, the complement: TK2 is on the minus strand). VCF-style: chr16-66550091-G-C. GRCh37 (hg19) VCF-style: chr16-66583994-G-C.
Other names: c.-30C>G (NM_001172644.2, NM_001172645.2); c.-272C>G (NM_001271934.2); c.-682C>G (NM_001272050.2); c.31+162C>G (NM_001271935.1, NM_001172643.1).
Identifiers: ClinVar variation 137666 (VCV000137666.11), dbSNP rs3743715, ClinGen allele CA291320.
Genomic context (GRCh38, chr16:66,550,091, plus strand): 5'-CGGCCCAGCCCCGCAGCGGCCACAGCAGCATAGCCGGGCGAGCGGATCCAGAGGCCCGGG[G>C]TTCCTTCTTGTGCGAGTCGGCGCGGACGACTGCTAGTCCAGCCGTTGGGCGCCGCCTGGA-3'